The following is an entry in ClinVar:

ClinVar aggregate classification (germline): Uncertain significance (1 of 4 stars; one submission).

Conditions:
Cardiovascular phenotype. Identifiers: MedGen CN230736.

Allele frequency attached by ClinVar (database versions not stated): gnomAD exomes below 0.00001.
gnomAD v4.1: 1 of 1,613,278 alleles (0.000062%); highest among the groups gnomAD compares: Non-Finnish European, 0.000085%; no homozygotes.

Submission:

Ambry Genetics
Classification: Uncertain significance for Cardiovascular phenotype. Last evaluated: 2015-05-06. Review status: criteria provided, single submitter. Criteria: Ambry Variant Classification Scheme 2023. Collection method: clinical testing. Allele origin: germline.
Comment: The p.M210T variant (also known as c.629T>C), located in coding exon 4 of the KCNQ1 gene, results from a T to C substitution at nucleotide position 629. The methionine at codon 210 is replaced by threonine, an amino acid with similar properties. This variant was not reported in population based cohorts in the following databases: Database of Single Nucleotide Polymorphisms (dbSNP), NHLBI Exome Sequencing Project (ESP), and 1000 Genomes Project. In the ESP, this variant was not observed in 6500 samples (13000 alleles) with coverage at this position. This amino acid position is not conserved on species alignment. In addition, this alteration is predicted to be deleterious by in silico analysis. Since supporting evidence is limited at this time, the clinical significance of this variant remains unclear.

NM_000218.3(KCNQ1):c.629T>C (p.Met210Thr)

Gene: KCNQ1 (potassium voltage-gated channel subfamily Q member 1; plus strand). Cytogenetic location: 11p15.5.
Variant type: single nucleotide variant.
Coding change: c.629T>C on transcript NM_000218.3 (MANE Select); coding-DNA position 629, T replaced by C.
Protein change: p.Met210Thr; replaces methionine 210 with threonine.
Molecular consequence: missense variant.
Genome position (GRCh38, 1-based): chr11:2,571,349, T>C. VCF-style: chr11-2571349-T-C. GRCh37 (hg19) VCF-style: chr11-2592579-T-C.
Other names: c.629T>C, p.Met210Thr (NM_001406836.1); c.359T>C, p.Met120Thr (NM_001406837.1); c.248T>C, p.Met83Thr (NM_181798.2); short protein forms M210T, M83T, M120T.
Identifiers: ClinVar variation 263972 (VCV000263972.7), dbSNP rs886038994, ClinGen allele CA10587721.